The following is an entry in ClinVar:

ClinVar aggregate classification (germline): Uncertain significance (1 of 4 stars; one submission).

Submission:

Labcorp Genetics (formerly Invitae), Labcorp
Classification: Uncertain significance. Last evaluated: 2025-04-16. Review status: criteria provided, single submitter. Criteria: Invitae Variant Classification Sherloc (09022015). Collection method: clinical testing. Allele origin: germline.
Comment: This sequence change replaces valine, which is neutral and non-polar, with isoleucine, which is neutral and non-polar, at codon 4316 of the ADGRV1 protein (p.Val4316Ile). This variant is not present in population databases (gnomAD no frequency). This variant has not been reported in the literature in individuals affected with ADGRV1-related conditions. ClinVar contains an entry for this variant (Variation ID: 1513629). Invitae Evidence Modeling of protein sequence and biophysical properties (such as structural, functional, and spatial information, amino acid conservation, physicochemical variation, residue mobility, and thermodynamic stability) indicates that this missense variant is not expected to disrupt ADGRV1 protein function with a negative predictive value of 95%. In summary, the available evidence is currently insufficient to determine the role of this variant in disease. Therefore, it has been classified as a Variant of Uncertain Significance.

NM_032119.4(ADGRV1):c.12946G>A (p.Val4316Ile)

Gene: ADGRV1 (adhesion G protein-coupled receptor V1; plus strand). Cytogenetic location: 5q14.3.
Variant type: single nucleotide variant.
Coding change: c.12946G>A on transcript NM_032119.4 (MANE Select); coding-DNA position 12946, G replaced by A.
Protein change: p.Val4316Ile; replaces valine 4316 with isoleucine.
Molecular consequence: missense variant. On other transcripts: non-coding transcript variant (1).
Genome position (GRCh38, 1-based): chr5:90,778,961, G>A. VCF-style: chr5-90778961-G-A. GRCh37 (hg19) VCF-style: chr5-90074778-G-A.
Other names: short protein forms V4316I.
Identifiers: ClinVar variation 1513629 (VCV001513629.6), dbSNP rs746172956, ClinGen allele CA360389524.